The following is an entry in ClinVar:

ClinVar aggregate classification (germline): Uncertain significance (1 of 4 stars; one submission).

Conditions:
Pyruvate dehydrogenase E2 deficiency (PDHDD). Also called: Dihydrolipoamide Acetyltransferase (E2) Deficiency; LACTIC ACIDEMIA DUE TO DEFECT OF E2 LIPOYL TRANSACETYLASE OF THE PYRUVATE DEHYDROGENASE COMPLEX. Identifiers: Orphanet 765, Orphanet 79244, MedGen C1855565, MONDO:0009502, OMIM 245348.

Allele frequency attached by ClinVar (database versions not stated): gnomAD exomes below 0.00001; TOPMed below 0.00001.
gnomAD v4.1: 1 of 1,613,906 alleles (0.000062%); highest among the groups gnomAD compares: East Asian, 0.0022%; no homozygotes.

Submission:

Baylor Genetics
Classification: Uncertain significance for Pyruvate dehydrogenase E2 deficiency. Last evaluated: 2019-11-06. Review status: criteria provided, single submitter. Criteria: ACMG Guidelines, 2015. Collection method: clinical testing. Allele origin: unknown. Affected: yes.
Comment: This variant was determined to be of uncertain significance according to ACMG Guidelines, 2015 [PMID:25741868].

NM_001931.5(DLAT):c.956C>T (p.Pro319Leu)

Gene: DLAT (dihydrolipoamide S-acetyltransferase; plus strand). Cytogenetic location: 11q23.1.
Variant type: single nucleotide variant.
Coding change: c.956C>T on transcript NM_001931.5 (MANE Select); coding-DNA position 956, C replaced by T.
Protein change: p.Pro319Leu; replaces proline 319 with leucine.
Molecular consequence: missense variant. On other transcripts: intron variant (2).
Genome position (GRCh38, 1-based): chr11:112,037,441, C>T. VCF-style: chr11-112037441-C-T. GRCh37 (hg19) VCF-style: chr11-111908165-C-T.
Other names: c.956C>T, p.Pro319Leu (NM_001372031.1, NM_001372032.1, NM_001372033.1 and 1 more transcripts); c.923C>T, p.Pro308Leu (NM_001372034.1); c.830C>T, p.Pro277Leu (NM_001372036.1); c.788C>T, p.Pro263Leu (NM_001372037.1); c.677C>T, p.Pro226Leu (NM_001372038.1); c.575C>T, p.Pro192Leu (NM_001372040.1); c.494C>T, p.Pro165Leu (NM_001372042.1); c.661-1803C>T (NM_001372039.1, NM_001372041.1); short protein forms P192L, P263L, P308L, P319L, P277L, P165L, P226L.
Identifiers: ClinVar variation 1029550 (VCV001029550.1), dbSNP rs1862832629, ClinGen allele CA382608781.